The following is an entry in ClinVar:

ClinVar aggregate classification (germline): Pathogenic. Review status: criteria provided, multiple submitters, no conflicts (2 of 4 stars). 4 submissions from 4 submitters: Pathogenic (3). 1 of the submissions does not count toward it. Last evaluated 2025-12-03.

Conditions:
Hereditary cancer-predisposing syndrome. Also called: Neoplastic Syndromes, Hereditary; Tumor predisposition; Hereditary Cancer Syndrome; Hereditary neoplastic syndrome. Identifiers: Orphanet 140162, MedGen C0027672, MeSH D009386, MONDO:0015356.
Familial adenomatous polyposis 1 (FAP1). Also called: POLYPOSIS, ADENOMATOUS INTESTINAL; FAMILIAL ADENOMATOUS POLYPOSIS 1, ATTENUATED. Identifiers: MedGen C2713442, MONDO:0021056, OMIM 175100. Disease mechanism: loss of function.

Submissions (4):

Labcorp Genetics (formerly Invitae), Labcorp
Classification: Pathogenic for Familial adenomatous polyposis 1. Last evaluated: 2025-12-03. Review status: criteria provided, single submitter. Criteria: Invitae Variant Classification Sherloc (09022015). Collection method: clinical testing. Allele origin: germline.
Comment: This sequence change creates a premature translational stop signal (p.Arg244Valfs*7) in the APC gene. It is expected to result in an absent or disrupted protein product. Loss-of-function variants in APC are known to be pathogenic (PMID: 17963004, 20685668). This variant is not present in population databases (gnomAD no frequency). This premature translational stop signal has been observed in individual(s) with familial adenomatous polyposis (PMID: 15857185). Algorithms developed to predict the effect of sequence changes on RNA splicing suggest that this variant may disrupt the consensus splice site. For these reasons, this variant has been classified as Pathogenic.

Ambry Genetics
Classification: Pathogenic for Hereditary cancer-predisposing syndrome. Last evaluated: 2024-05-01. Review status: criteria provided, single submitter. Criteria: Ambry Variant Classification Scheme 2023. Collection method: clinical testing. Allele origin: germline.
Comment: The c.730_731delAG pathogenic mutation, located in coding exon 7 of the APC gene, results from a deletion of two nucleotides at nucleotide positions 730 to 731, causing a translational frameshift with a predicted alternate stop codon (p.R244Vfs*7). This variant has been observed in individuals with a personal and/or family history that is consistent with APC-associated polyposis conditions (Garc&iacute;a-Lozano JR et al. Genet. Test., 2005;9:37-40; Ambry internal data). This variant is considered to be rare based on population cohorts in the Genome Aggregation Database (gnomAD). In addition to the clinical data, this alteration is expected to result in loss of function by premature protein truncation or nonsense-mediated mRNA decay. As such, this variant is interpreted as a disease-causing mutation.

Myriad Genetics, Inc.
Classification: Pathogenic for Familial adenomatous polyposis 1. Last evaluated: 2023-04-27. Review status: criteria provided, single submitter. Criteria: Myriad Autosomal Dominant, Autosomal Recessive and X-Linked Classification Criteria (2023). Collection method: clinical testing. Allele origin: unknown.
Comment: This variant is considered pathogenic. This variant creates a frameshift predicted to result in premature protein truncation.

OMIM
Classification: Pathogenic for FAMILIAL ADENOMATOUS POLYPOSIS 1. Last evaluated: 1991-08-09. Review status: no assertion criteria provided. Collection method: literature only. Allele origin: germline. Not counted in ClinVar's aggregate classification.

Literature cited by the submitters: PubMed 17963004 (cited by Labcorp Genetics (formerly Invitae), Labcorp); PubMed 20685668 (cited by Labcorp Genetics (formerly Invitae), Labcorp); PubMed 15857185 (cited by Labcorp Genetics (formerly Invitae), Labcorp and Ambry Genetics); PubMed 1651174 (cited by OMIM); PubMed 1678319 (cited by OMIM).

NM_000038.5(APC):c.730_731delAG

Gene: APC (APC regulator of Wnt signaling pathway; plus strand). Cytogenetic location: 5q22.2.
Variant type: Microsatellite.
Coding change: c.730_731delAG on transcript NM_000038.5; coding-DNA positions 730 to 731, 2 bases deleted (AG).
Genome position (GRCh38, 1-based): chr5:112,801,279-112,801,280, AG deleted; deleting any 2 consecutive bases within chr5:112,801,277-112,801,280 gives the same sequence; the c. name uses the placement nearest the transcript's 3' end. VCF-style (leftmost placement, unchanged base first): chr5-112801276-CAG-C. GRCh37 (hg19) VCF-style: chr5-112136973-CAG-C.
Identifiers: ClinVar variation 793 (VCV000000793.11), dbSNP rs387906228, ClinGen allele CA013614.